The following is an entry in ClinVar:

NM_017617.5(NOTCH1):c.1017T>G (p.Cys339Trp)

Gene: NOTCH1 (notch receptor 1; minus strand). Cytogenetic location: 9q34.3.
Variant type: single nucleotide variant.
Coding change: c.1017T>G on transcript NM_017617.5 (MANE Select); coding-DNA position 1017, T replaced by G.
Protein change: p.Cys339Trp; replaces cysteine 339 with tryptophan.
Molecular consequence: missense variant.
Genome position (GRCh38, 1-based): chr9:136,518,673, A>C on the plus strand (T>G on the coding strand, the complement: NOTCH1 is on the minus strand). VCF-style: chr9-136518673-A-C. GRCh37 (hg19) VCF-style: chr9-139413125-A-C.
Other names: short protein forms C339W.
Identifiers: ClinVar variation 2838597 (VCV002838597.3), dbSNP rs2133370939, ClinGen allele CA375565400.

ClinVar aggregate classification (germline): Uncertain significance (1 of 4 stars; one submission).

Conditions:
Adams-Oliver syndrome 5 (AOS5). Identifiers: Orphanet 974, MedGen C4014970, MONDO:0014459, OMIM 616028.

Submission:

Labcorp Genetics (formerly Invitae), Labcorp
Classification: Uncertain significance for Adams-Oliver syndrome 5. Last evaluated: 2023-05-31. Review status: criteria provided, single submitter. Criteria: Invitae Variant Classification Sherloc (09022015). Collection method: clinical testing. Allele origin: germline.
Comment: This sequence change replaces cysteine, which is neutral and slightly polar, with tryptophan, which is neutral and slightly polar, at codon 339 of the NOTCH1 protein (p.Cys339Trp). This variant is not present in population databases (gnomAD no frequency). This variant has not been reported in the literature in individuals affected with NOTCH1-related conditions. Advanced modeling of protein sequence and biophysical properties (such as structural, functional, and spatial information, amino acid conservation, physicochemical variation, residue mobility, and thermodynamic stability) performed at Invitae indicates that this missense variant is expected to disrupt NOTCH1 protein function. In summary, the available evidence is currently insufficient to determine the role of this variant in disease. Therefore, it has been classified as a Variant of Uncertain Significance.